The following is an entry in ClinVar:

ClinVar aggregate classification (germline): Pathogenic/Likely pathogenic. Review status: criteria provided, multiple submitters, no conflicts (2 of 4 stars). 3 submissions from 3 submitters: Pathogenic (1); Likely pathogenic (1). 1 of the submissions does not count toward it. Last evaluated 2025-09-23.

Conditions:
DHTKD1-related disorder. Also called: DHTKD1-related condition.
Charcot-Marie-Tooth disease axonal type 2Q. Also called: CHARCOT-MARIE-TOOTH DISEASE, AXONAL, AUTOSOMAL DOMINANT, TYPE 2Q; CHARCOT-MARIE-TOOTH NEUROPATHY, TYPE 2Q. Identifiers: Orphanet 329258, MedGen C3554366, MONDO:0014012, OMIM 615025.
2-aminoadipic 2-oxoadipic aciduria (AAKAD). Also called: Aminoadipic aciduria; ALPHA-AMINOADIPIC AND ALPHA-KETOADIPIC ACIDURIA. Identifiers: Orphanet 79154, MedGen C1859817, MONDO:0008774, OMIM 204750.

Allele frequency attached by ClinVar (database versions not stated): ExAC 0.00001; gnomAD 0.00001 and 0.00002; gnomAD exomes 0.00002 and 0.00007; TOPMed 0.00002.
gnomAD v4.1: 98 of 1,607,956 alleles (0.0061%); highest among the groups gnomAD compares: Non-Finnish European, 0.0081%; no homozygotes.

Submissions (3):

Labcorp Genetics (formerly Invitae), Labcorp
Classification: Pathogenic for 2-aminoadipic 2-oxoadipic aciduria. Last evaluated: 2025-09-23. Review status: criteria provided, single submitter. Criteria: Invitae Variant Classification Sherloc (09022015). Collection method: clinical testing. Allele origin: germline.
Comment: This sequence change creates a premature translational stop signal (p.Arg455*) in the DHTKD1 gene. It is expected to result in an absent or disrupted protein product. Loss-of-function variants in DHTKD1 are known to be pathogenic (PMID: 23141293, 25860818). This variant is present in population databases (rs201369986, gnomAD 0.006%). This variant has not been reported in the literature in individuals affected with DHTKD1-related conditions. ClinVar contains an entry for this variant (Variation ID: 1033496). For these reasons, this variant has been classified as Pathogenic.

Baylor Genetics
Classification: Likely pathogenic for Charcot-Marie-Tooth disease axonal type 2Q. Last evaluated: 2018-04-10. Review status: criteria provided, single submitter. Criteria: ACMG Guidelines, 2015. Collection method: clinical testing. Allele origin: paternal. Affected: yes.
Comment: This variant was determined to be likely pathogenic according to ACMG Guidelines, 2015 [PMID:25741868].

PreventionGenetics, part of Exact Sciences
Classification: Likely pathogenic for DHTKD1-related condition. Last evaluated: 2024-09-26. Review status: no assertion criteria provided. Collection method: clinical testing. Allele origin: germline. Not counted in ClinVar's aggregate classification.
Comment: The DHTKD1 c.1363C>T variant is predicted to result in premature protein termination (p.Arg455*). To our knowledge this variant has not been reported in the literature. This variant is reported in 0.0048% of alleles in individuals of European (Non-Finnish) descent in gnomAD. Nonsense variants in DHTKD1 are expected to be pathogenic. This variant is interpreted as likely pathogenic.

Literature cited by the submitters: PubMed 23141293 (cited by Labcorp Genetics (formerly Invitae), Labcorp); PubMed 25860818 (cited by Labcorp Genetics (formerly Invitae), Labcorp).

NM_018706.7(DHTKD1):c.1363C>T (p.Arg455Ter)

Gene: DHTKD1 (dehydrogenase E1 and transketolase domain containing 1; plus strand). Cytogenetic location: 10p14.
Variant type: single nucleotide variant.
Coding change: c.1363C>T on transcript NM_018706.7 (MANE Select); coding-DNA position 1363, C replaced by T.
Protein change: p.Arg455Ter; replaces arginine 455 with a stop codon.
Molecular consequence: nonsense.
Genome position (GRCh38, 1-based): chr10:12,097,688, C>T. VCF-style: chr10-12097688-C-T. GRCh37 (hg19) VCF-style: chr10-12139687-C-T.
Other names: c.1363C>T (NM_018706.6); short protein forms R455*.
Identifiers: ClinVar variation 1033496 (VCV001033496.8), dbSNP rs201369986, ClinGen allele CA5407837.